The following is an entry in ClinVar:

NM_001029896.2(WDR45):c.845A>T (p.Lys282Met)

Gene: WDR45 (WD repeat domain 45; minus strand). Cytogenetic location: Xp11.23.
Variant type: single nucleotide variant.
Coding change: c.845A>T on transcript NM_001029896.2 (MANE Select); coding-DNA position 845, A replaced by T.
Protein change: p.Lys282Met; replaces lysine 282 with methionine.
Molecular consequence: missense variant.
Genome position (GRCh38, 1-based): chrX:49,075,264, T>A on the plus strand (A>T on the coding strand, the complement: WDR45 is on the minus strand). VCF-style: chrX-49075264-T-A. GRCh37 (hg19) VCF-style: chrX-48932923-T-A.
Other names: c.848A>T, p.Lys283Met (NM_007075.4); short protein forms K282M, K283M.
Identifiers: ClinVar variation 2705487 (VCV002705487.3), dbSNP rs2065029555, ClinGen allele CA412942438.

ClinVar aggregate classification (germline): Uncertain significance (1 of 4 stars; one submission).

Conditions:
Neurodegeneration with brain iron accumulation 5 (NBIA5). Also called: STATIC ENCEPHALOPATHY OF CHILDHOOD WITH NEURODEGENERATION IN ADULTHOOD; Beta-propeller protein-associated neurodegeneration. Identifiers: Orphanet 329284, MedGen C3550973, MONDO:0010476, OMIM 300894.

Allele frequency attached by ClinVar (database versions not stated): gnomAD exomes 0.00001; TOPMed 0.00001.
gnomAD v4.1: 14 of 1,211,133 alleles (0.0012%); highest among the groups gnomAD compares: African/African-American, 0.0017%; no homozygotes.

Submission:

Labcorp Genetics (formerly Invitae), Labcorp
Classification: Uncertain significance for Neurodegeneration with brain iron accumulation 5. Last evaluated: 2023-12-25. Review status: criteria provided, single submitter. Criteria: Invitae Variant Classification Sherloc (09022015). Collection method: clinical testing. Allele origin: germline.
Comment: This sequence change replaces lysine, which is basic and polar, with methionine, which is neutral and non-polar, at codon 283 of the WDR45 protein (p.Lys283Met). This variant is not present in population databases (gnomAD no frequency). This variant has not been reported in the literature in individuals affected with WDR45-related conditions. Advanced modeling of protein sequence and biophysical properties (such as structural, functional, and spatial information, amino acid conservation, physicochemical variation, residue mobility, and thermodynamic stability) performed at Invitae indicates that this missense variant is not expected to disrupt WDR45 protein function with a negative predictive value of 80%. In summary, the available evidence is currently insufficient to determine the role of this variant in disease. Therefore, it has been classified as a Variant of Uncertain Significance.